The following is an entry in ClinVar:

NM_001128840.3(CACNA1D):c.5664A>C (p.Gln1888His)

Gene: CACNA1D (calcium voltage-gated channel subunit alpha1 D; plus strand). Cytogenetic location: 3p21.1.
Variant type: single nucleotide variant.
Coding change: c.5664A>C on transcript NM_001128840.3 (MANE Select); coding-DNA position 5664, A replaced by C.
Protein change: p.Gln1888His; replaces glutamine 1888 with histidine.
Molecular consequence: missense variant.
Genome position (GRCh38, 1-based): chr3:53,805,061, A>C. VCF-style: chr3-53805061-A-C. GRCh37 (hg19) VCF-style: chr3-53839088-A-C.
Other names: c.5724A>C, p.Gln1908His (NM_000720.4); c.5592A>C, p.Gln1864His (NM_001128839.3); short protein forms Q1864H, Q1888H, Q1908H.
Identifiers: ClinVar variation 1704008 (VCV001704008.2), dbSNP rs2095555198, ClinGen allele CA353254653.

ClinVar aggregate classification (germline): Uncertain significance (1 of 4 stars; one submission).

Submission:

GeneDx
Classification: Uncertain significance. Last evaluated: 2022-03-02. Review status: criteria provided, single submitter. Criteria: GeneDx Variant Classification Process June 2021. Collection method: clinical testing. Allele origin: germline. Affected: yes.
Comment: Not observed at significant frequency in large population cohorts (gnomAD); In silico analysis supports that this missense variant does not alter protein structure/function; Has not been previously published as pathogenic or benign to our knowledge